The following is an entry in ClinVar:

ClinVar aggregate classification (germline): Conflicting classifications of pathogenicity. Review status: criteria provided, conflicting classifications (1 of 4 stars). 2 submissions from 2 submitters: Likely pathogenic (1); Uncertain significance (1). Last evaluated 2025-05-23.

Conditions:
Inborn genetic diseases. Identifiers: MedGen C0950123, MeSH D030342.
Developmental and epileptic encephalopathy, 65. Also called: EPILEPTIC ENCEPHALOPATHY, EARLY INFANTILE, 65. Identifiers: MedGen C4693925, MONDO:0033374, OMIM 618008.

Submissions (2):

Ambry Genetics
Classification: Uncertain significance for Inborn genetic diseases. Last evaluated: 2025-05-23. Review status: criteria provided, single submitter. Criteria: Ambry Variant Classification Scheme 2023. Collection method: clinical testing. Allele origin: germline.
Comment: The c.2086C>A (p.L696M) alteration is located in exon 19 (coding exon 18) of the CYFIP2 gene. This alteration results from a C to A substitution at nucleotide position 2086, causing the leucine (L) at amino acid position 696 to be replaced by a methionine (M). This variant was not reported in population-based cohorts in the Genome Aggregation Database (gnomAD). This amino acid position is highly conserved in available vertebrate species. The in silico prediction for this alteration is inconclusive. Based on insufficient or conflicting evidence, the clinical significance of this alteration remains unclear.

3billion
Classification: Likely pathogenic for Developmental and epileptic encephalopathy, 65. Review status: criteria provided, single submitter. Criteria: ACMG Guidelines, 2015. Collection method: clinical testing. Allele origin: unknown. Affected: yes. Observed: 1 heterozygote.
Comment: The variant is not observed in the gnomAD v2.1.1 dataset. The variant is located in a mutational hot spot and/or well-established functional domain in which established pathogenic variants have been reported. Missense changes are a common disease-causing mechanism. Therefore, this variant is classified as likely pathogenic according to the recommendation of ACMG/AMP guideline.

NM_001037333.3(CYFIP2):c.2086C>A (p.Leu696Met)

Gene: CYFIP2 (cytoplasmic FMR1 interacting protein 2; plus strand). Cytogenetic location: 5q33.3.
Variant type: single nucleotide variant.
Coding change: c.2086C>A on transcript NM_001037333.3 (MANE Select); coding-DNA position 2086, C replaced by A.
Protein change: p.Leu696Met; replaces leucine 696 with methionine.
Molecular consequence: missense variant.
Genome position (GRCh38, 1-based): chr5:157,327,979, C>A. VCF-style: chr5-157327979-C-A. GRCh37 (hg19) VCF-style: chr5-156754987-C-A.
Other names: c.2008C>A, p.Leu670Met (NM_001291721.2); c.2161C>A, p.Leu721Met (NM_001291722.2); c.2086C>A, p.Leu696Met (NM_014376.4); c.2086C>A (NM_001037333.1); short protein forms L670M, L696M, L721M.
Identifiers: ClinVar variation 2572568 (VCV002572568.2), dbSNP rs1761160732, ClinGen allele CA361970670.